The following is an entry in ClinVar:

NM_172362.3(KCNH1):c.2314C>T (p.Leu772Phe)

Gene: KCNH1 (potassium voltage-gated channel subfamily H member 1; minus strand). Cytogenetic location: 1q32.2.
Variant type: single nucleotide variant.
Coding change: c.2314C>T on transcript NM_172362.3 (MANE Select); coding-DNA position 2314, C replaced by T.
Protein change: p.Leu772Phe; replaces leucine 772 with phenylalanine.
Molecular consequence: missense variant.
Genome position (GRCh38, 1-based): chr1:210,683,937, G>A on the plus strand (C>T on the coding strand, the complement: KCNH1 is on the minus strand). VCF-style: chr1-210683937-G-A. GRCh37 (hg19) VCF-style: chr1-210857279-G-A.
Other names: c.2233C>T, p.Leu745Phe (NM_002238.4); short protein forms L745F, L772F.
Identifiers: ClinVar variation 1505963 (VCV001505963.6), dbSNP rs143558477, ClinGen allele CA1379709.

ClinVar aggregate classification (germline): Uncertain significance (1 of 4 stars; one submission).

Allele frequency attached by ClinVar (database versions not stated): gnomAD exomes below 0.00001; TOPMed below 0.00001; ExAC 0.00001; gnomAD 0.00001 and 0.00002; ESP Exome Variant Server 0.00008.
gnomAD v4.1: 12 of 1,608,944 alleles (0.00075%); highest among the groups gnomAD compares: Middle Eastern, 0.033%; no homozygotes.

Submission:

Labcorp Genetics (formerly Invitae), Labcorp
Classification: Uncertain significance. Last evaluated: 2021-08-18. Review status: criteria provided, single submitter. Criteria: Invitae Variant Classification Sherloc (09022015). Collection method: clinical testing. Allele origin: germline.
Comment: This variant has not been reported in the literature in individuals affected with KCNH1-related conditions. In summary, the available evidence is currently insufficient to determine the role of this variant in disease. Therefore, it has been classified as a Variant of Uncertain Significance. Advanced modeling of protein sequence and biophysical properties (such as structural, functional, and spatial information, amino acid conservation, physicochemical variation, residue mobility, and thermodynamic stability) performed at Invitae indicates that this missense variant is not expected to disrupt KCNH1 protein function. This variant is present in population databases (rs143558477, ExAC 0.002%). This sequence change replaces leucine with phenylalanine at codon 772 of the KCNH1 protein (p.Leu772Phe). The leucine residue is moderately conserved and there is a small physicochemical difference between leucine and phenylalanine.